The following is an entry in ClinVar:

NM_005343.4(HRAS):c.131T>C (p.Val44Ala)

Genes: HRAS (HRas proto-oncogene, GTPase; minus strand), LRRC56 (leucine rich repeat containing 56; plus strand). Cytogenetic location: 11p15.5.
Variant type: single nucleotide variant.
Coding change: c.131T>C on transcript NM_005343.4 (MANE Select); coding-DNA position 131, T replaced by C.
Protein change: p.Val44Ala; replaces valine 44 with alanine.
Molecular consequence: missense variant. On other transcripts: 5 prime UTR variant (1).
Genome position (GRCh38, 1-based): chr11:533,925, A>G on the plus strand (T>C on the coding strand, the complement: HRAS is on the minus strand). VCF-style: chr11-533925-A-G. GRCh37 (hg19) VCF-style: chr11-533925-A-G.
Other names: c.131T>C, p.Val44Ala (NM_001130442.3, NM_176795.5); c.-189T>C (NM_001318054.2); short protein forms V44A.
Identifiers: ClinVar variation 2747523 (VCV002747523.3), dbSNP rs2133991639, ClinGen allele CA378924780.
Genomic context (GRCh38, chr11:533,925, plus strand): 5'-TACTCCTCCTGGCCGGCGGTATCCAGGATGTCCAACAGGCACGTCTCCCCATCAATGACC[A>G]CCTGCTTCCGGTAGGAATCCTGCAGGAGGACAGGGCTCAGGGACCCCCTCAGGACCTTCC-3'
Protein context (NP_005334.1, residues 34-54): PTIEDSYRKQ[Val44Ala]VIDGETCLLD

ClinVar aggregate classification (germline): Uncertain significance (1 of 4 stars; one submission).

Conditions:
Costello syndrome (CSTLO). Also called: FACIOCUTANEOSKELETAL SYNDROME; FCS SYNDROME; HRAS-Related Costello Syndrome. Identifiers: Orphanet 3071, MedGen C0587248, MONDO:0009026, OMIM 218040.

Submission:

Labcorp Genetics (formerly Invitae), Labcorp
Classification: Uncertain significance for Costello syndrome. Last evaluated: 2023-07-28. Review status: criteria provided, single submitter. Criteria: Invitae Variant Classification Sherloc (09022015). Collection method: clinical testing. Allele origin: germline.
Comment: In summary, the available evidence is currently insufficient to determine the role of this variant in disease. Therefore, it has been classified as a Variant of Uncertain Significance. Advanced modeling of protein sequence and biophysical properties (such as structural, functional, and spatial information, amino acid conservation, physicochemical variation, residue mobility, and thermodynamic stability) performed at Invitae indicates that this missense variant is expected to disrupt HRAS protein function. This variant has not been reported in the literature in individuals affected with HRAS-related conditions. This variant is not present in population databases (gnomAD no frequency). This sequence change replaces valine, which is neutral and non-polar, with alanine, which is neutral and non-polar, at codon 44 of the HRAS protein (p.Val44Ala).